The following is an entry in ClinVar:

ClinVar aggregate classification (germline): Uncertain significance. Review status: criteria provided, multiple submitters, no conflicts (2 of 4 stars). 5 submissions from 5 submitters: Uncertain significance (5). Last evaluated 2026-01-27.

Conditions:
Inborn genetic diseases. Identifiers: MedGen C0950123, MeSH D030342.
Knobloch syndrome (KNO). Also called: RETINAL DETACHMENT AND OCCIPITAL ENCEPHALOCELE; Myopia retinal detachment encephalocele. Identifiers: Orphanet 1571, MedGen C1849409, MONDO:0800166.

Allele frequency attached by ClinVar (database versions not stated): gnomAD 0.00002 and 0.00003; gnomAD exomes 0.00004; ExAC 0.00005; TOPMed 0.00005; ESP Exome Variant Server 0.00008.
gnomAD v4.1: 72 of 1,602,544 alleles (0.0045%); highest among the groups gnomAD compares: African/African-American, 0.0054%; 1 homozygote.

Submissions (5):

GeneDx
Classification: Uncertain significance. Last evaluated: 2026-01-27. Review status: criteria provided, single submitter. Criteria: GeneDx Variant Classification Process June 2021. Collection method: clinical testing. Allele origin: germline.
Comment: In silico analysis supports that this missense variant has a deleterious effect on protein structure/function; Has not been previously published as pathogenic or benign to our knowledge

Ambry Genetics
Classification: Uncertain significance for Inborn genetic diseases. Last evaluated: 2024-09-01. Review status: criteria provided, single submitter. Criteria: Ambry Variant Classification Scheme 2023. Collection method: clinical testing. Allele origin: germline.

Labcorp Genetics (formerly Invitae), Labcorp
Classification: Uncertain significance. Last evaluated: 2022-08-10. Review status: criteria provided, single submitter. Criteria: Invitae Variant Classification Sherloc (09022015). Collection method: clinical testing. Allele origin: germline.
Comment: This sequence change replaces proline, which is neutral and non-polar, with leucine, which is neutral and non-polar, at codon 650 of the COL18A1 protein (p.Pro650Leu). The frequency data for this variant in the population databases is considered unreliable, as metrics indicate poor data quality at this position in the gnomAD database. This variant has not been reported in the literature in individuals affected with COL18A1-related conditions. ClinVar contains an entry for this variant (Variation ID: 898194). Experimental studies and prediction algorithms are not available or were not evaluated, and the functional significance of this variant is currently unknown. In summary, the available evidence is currently insufficient to determine the role of this variant in disease. Therefore, it has been classified as a Variant of Uncertain Significance.

Blueprint Genetics
Classification: Uncertain significance. Last evaluated: 2020-09-15. Review status: criteria provided, single submitter. Criteria: ACMG Guidelines, 2015. Collection method: clinical testing. Allele origin: germline.

Illumina Laboratory Services, Illumina
Classification: Uncertain significance for Knobloch syndrome 1. Last evaluated: 2018-01-13. Review status: criteria provided, single submitter. Criteria: ICSL Variant Classification Criteria 13 December 2019. Collection method: clinical testing. Allele origin: germline.

NM_001379500.1(COL18A1):c.1949C>T (p.Pro650Leu)

Gene: COL18A1 (collagen type XVIII alpha 1 chain; plus strand). Cytogenetic location: 21q22.3.
Variant type: single nucleotide variant.
Coding change: c.1949C>T on transcript NM_001379500.1 (MANE Select); coding-DNA position 1949, C replaced by T.
Protein change: p.Pro650Leu; replaces proline 650 with leucine.
Molecular consequence: missense variant.
Genome position (GRCh38, 1-based): chr21:45,489,511, C>T. VCF-style: chr21-45489511-C-T. GRCh37 (hg19) VCF-style: chr21-46909425-C-T.
Other names: NM_130445.2:c.1949C>T; c.2489C>T, p.Pro830Leu (NM_030582.4); c.3194C>T, p.Pro1065Leu (NM_130444.3); short protein forms P1065L, P830L, P650L.
Identifiers: ClinVar variation 898194 (VCV000898194.9), dbSNP rs376627920, ClinGen allele CA10066693.